The following is an entry in ClinVar:

NM_000051.4(ATM):c.2377-13G>C

Gene: ATM (ATM serine/threonine kinase; plus strand). Cytogenetic location: 11q22.3.
Variant type: single nucleotide variant.
Coding change: c.2377-13G>C on transcript NM_000051.4 (MANE Select); 13 bases into the intron before coding-DNA position 2377, G replaced by C.
Molecular consequence: intron variant.
Genome position (GRCh38, 1-based): chr11:108,258,973, G>C. VCF-style: chr11-108258973-G-C. GRCh37 (hg19) VCF-style: chr11-108129700-G-C.
Other names: c.2377-13G>C (NM_001351834.2).
Identifiers: ClinVar variation 1659775 (VCV001659775.9), dbSNP rs1296989358, ClinGen allele CA601696610.

ClinVar aggregate classification (germline): Likely benign. Review status: criteria provided, multiple submitters, no conflicts (2 of 4 stars). 2 submissions from 2 submitters: Likely benign (2). Last evaluated 2025-06-18.

Conditions:
Familial cancer of breast. Also called: hereditary breast carcinoma; BREAST CANCER, FAMILIAL; Hereditary breast cancer. Identifiers: Orphanet 227535, MedGen C0346153, MONDO:0016419, OMIM 114480. Disease mechanism: loss of function.
Ataxia-telangiectasia syndrome (AT). Also called: ATAXIA-TELANGIECTASIA, COMPLEMENTATION GROUP A; ATAXIA-TELANGIECTASIA, FRESNO VARIANT; Ataxia-telangiectasia, complementation group E; Ataxia telangiectasia (A-T); Ataxia-telangiectasia, complementation group D; AT, COMPLEMENTATION GROUP C. Identifiers: Orphanet 100, MedGen C0004135, MONDO:0008840, OMIM 208900.

Allele frequency attached by ClinVar (database versions not stated): gnomAD exomes below 0.00001; TOPMed below 0.00001; gnomAD 0.00001.
gnomAD v4.1: 1 of 1,603,954 alleles (0.000062%); highest among the groups gnomAD compares: African/African-American, 0.0013%; no homozygotes.

Submissions (2):

Labcorp Genetics (formerly Invitae), Labcorp
Classification: Likely benign for Ataxia-telangiectasia syndrome. Last evaluated: 2025-06-18. Review status: criteria provided, single submitter. Criteria: Invitae Variant Classification Sherloc (09022015). Collection method: clinical testing. Allele origin: germline.

Myriad Genetics, Inc.
Classification: Likely benign for Familial cancer of breast. Last evaluated: 2024-05-08. Review status: criteria provided, single submitter. Criteria: Myriad Autosomal Dominant, Autosomal Recessive and X-Linked Classification Criteria (2023). Collection method: clinical testing. Allele origin: unknown.
Comment: This variant is considered likely benign. This variant is intronic and is not expected to impact mRNA splicing.